The following is an entry in ClinVar:

NM_005228.5(EGFR):c.2469+5T>C

Genes: EGFR (epidermal growth factor receptor; plus strand), EGFR-AS1 (EGFR antisense RNA 1; minus strand). Cytogenetic location: 7p11.2.
Variant type: single nucleotide variant.
Coding change: c.2469+5T>C on transcript NM_005228.5 (MANE Select); 5 bases into the intron after coding-DNA position 2469, T replaced by C.
Molecular consequence: intron variant. On other transcripts: non-coding transcript variant (1).
Genome position (GRCh38, 1-based): chr7:55,181,483, T>C. VCF-style: chr7-55181483-T-C. GRCh37 (hg19) VCF-style: chr7-55249176-T-C.
Other names: c.2334+5T>C (NM_001346899.2, NM_001346897.2); c.1668+5T>C (NM_001346941.2); c.2469+5T>C (NM_001346898.2, NM_005228.3); c.2310+5T>C (NM_001346900.2).
Identifiers: ClinVar variation 1038155 (VCV001038155.7), dbSNP rs767718324, ClinGen allele CA4266075.
Genomic context (GRCh38, chr7:55,181,483, plus strand): 5'-ACAAAGACAATATTGGCTCCCAGTACCTGCTCAACTGGTGTGTGCAGATCGCAAAGGTAA[T>C]CAGGGAAGGGAGATACGGGGAGGGGAGATAAGGAGCCAGGATCCTCACATGCGGTCTGCG-3'

ClinVar aggregate classification (germline): Uncertain significance. Review status: criteria provided, multiple submitters, no conflicts (2 of 4 stars). 2 submissions from 2 submitters: Uncertain significance (2). Last evaluated 2025-11-13.

Conditions:
Hereditary cancer-predisposing syndrome. Also called: Neoplastic Syndromes, Hereditary; Hereditary Cancer Syndrome; Tumor predisposition; Hereditary neoplastic syndrome. Identifiers: Orphanet 140162, MedGen C0027672, MeSH D009386, MONDO:0015356.
EGFR-related lung cancer (EGFR). Identifiers: MedGen CN130014.

Allele frequency attached by ClinVar (database versions not stated): gnomAD exomes below 0.00001 and 0.00001; ExAC 0.00001.
gnomAD v4.1: 4 of 1,614,150 alleles (0.00025%); highest among the groups gnomAD compares: South Asian, 0.0044%; no homozygotes.

Submissions (2):

Ambry Genetics
Classification: Uncertain significance for Hereditary cancer-predisposing syndrome. Last evaluated: 2025-11-13. Review status: criteria provided, single submitter. Criteria: Ambry Variant Classification Scheme 2023. Collection method: clinical testing. Allele origin: germline.
Comment: The c.2469+5T>C intronic variant results from a T to C substitution 5 nucleotides after coding exon 20 in the EGFR gene. This nucleotide position is poorly conserved in available vertebrate species. In silico splice site analysis predicts that this alteration will not have any significant effect on splicing. Based on the available evidence, the clinical significance of this variant remains unclear.

Labcorp Genetics (formerly Invitae), Labcorp
Classification: Uncertain significance for EGFR-related lung cancer. Last evaluated: 2020-07-26. Review status: criteria provided, single submitter. Criteria: Invitae Variant Classification Sherloc (09022015). Collection method: clinical testing. Allele origin: germline.
Comment: This sequence change falls in intron 20 of the EGFR gene. It does not directly change the encoded amino acid sequence of the EGFR protein, but it affects a nucleotide within the consensus splice site of the intron. This variant is present in population databases (rs767718324, ExAC no frequency). This variant has not been reported in the literature in individuals with EGFR-related conditions. Nucleotide substitutions within the consensus splice site are a relatively common cause of aberrant splicing (PMID: 17576681, 9536098). Algorithms developed to predict the effect of sequence changes on RNA splicing suggest that this variant is not likely to affect RNA splicing, but this prediction has not been confirmed by published transcriptional studies. In summary, the available evidence is currently insufficient to determine the role of this variant in disease. Therefore, it has been classified as a Variant of Uncertain Significance.

Literature cited by the submitters: PubMed 17576681 (cited by Labcorp Genetics (formerly Invitae), Labcorp); PubMed 9536098 (cited by Labcorp Genetics (formerly Invitae), Labcorp).